The following is an entry in ClinVar:

ClinVar aggregate classification (germline): Pathogenic. Review status: criteria provided, multiple submitters, no conflicts (2 of 4 stars). 3 submissions from 3 submitters: Pathogenic (2). 1 of the submissions does not count toward it. Last evaluated 2025-11-24.

Conditions:
Congenital myotonia, autosomal recessive form. Also called: BECKER DISEASE; myotonia congenita, autosomal recessive; Becker Generalized Myotonia. Identifiers: Orphanet 614, MedGen C0751360, MONDO:0009715, OMIM 255700.
Congenital myotonia, autosomal dominant form (THD). Also called: THOMSEN DISEASE; Myotonia congenita autosomal dominant. Identifiers: Orphanet 614, MedGen C2936781, MONDO:0008055, OMIM 160800.
Skeletal muscle channelopathy.

Allele frequency attached by ClinVar (database versions not stated): gnomAD exomes below 0.00001.
gnomAD v4.1: 2 of 1,614,216 alleles (0.00012%); highest among the groups gnomAD compares: Non-Finnish European, 0.00017%; no homozygotes.

Submissions (3):

Genetics Laboratory, Great Ormond Street Hospital NHS Foundation Trust, North Thames Genomic Laboratory Hub
Classification: Pathogenic for Skeletal muscle channelopathy. Last evaluated: 2025-11-24. Review status: criteria provided, single submitter. Criteria: ACGS Best Practice Guidelines for Variant Classification in Rare Disease 2024 v1.2. Collection method: clinical testing. Allele origin: germline. Affected: yes.
Comment: PS4_moderate, PP3_supporting, PM5_moderate, PS3_strong, PM1_moderate, PP1_supporting

Women's Health and Genetics/Laboratory Corporation of America, LabCorp
Classification: Pathogenic for Congenital myotonia, autosomal recessive form. Last evaluated: 2025-02-05. Review status: criteria provided, single submitter. Criteria: LabCorp Variant Classification Summary - May 2015. Collection method: clinical testing. Allele origin: germline.
Comment: Variant summary: CLCN1 c.938C>T (p.Ala313Val) results in a non-conservative amino acid change in the encoded protein sequence. Five of five in-silico tools predict a damaging effect of the variant on protein function. The variant was absent in 251428 control chromosomes (gnomAD). c.938C>T has been reported in the literature in multiple individuals affected with Myotonia congenita in both the heterozygous state and in the compound heterozygous state (e.g. Fialho_2007, Suetterlin_2022). These data indicate that the variant is very likely to be associated with disease. At least one publication reports experimental evidence evaluating an impact on protein function, showing that the variant results in a complete loss of channel current when expressed alone, and resulted in a dominant negative effect when expressed with the wild type protein (Fialho_2007). The following publications have been ascertained in the context of this evaluation (PMID: 17932099, 34529042). ClinVar contains an entry for this variant (Variation ID: 1697274). Based on the evidence outlined above, the variant was classified as pathogenic.

Department of Neurology and Geriatrics, Kagoshima University Graduate School of Medical and Dental Sciences
Classification: Pathogenic for Congenital myotonia, autosomal dominant form. Last evaluated: 2022-04-06. Review status: no assertion criteria provided. Collection method: research. Allele origin: germline. Affected: yes. Not counted in ClinVar's aggregate classification.

Literature cited by the submitters: PubMed 34529042 (cited by Women's Health and Genetics/Laboratory Corporation of America, LabCorp); PubMed 17932099 (cited by Women's Health and Genetics/Laboratory Corporation of America, LabCorp).

NM_000083.3(CLCN1):c.938C>T (p.Ala313Val)

Gene: CLCN1 (chloride voltage-gated channel 1; plus strand). Cytogenetic location: 7q34.
Variant type: single nucleotide variant.
Coding change: c.938C>T on transcript NM_000083.3 (MANE Select); coding-DNA position 938, C replaced by T.
Protein change: p.Ala313Val; replaces alanine 313 with valine.
Molecular consequence: missense variant. On other transcripts: non-coding transcript variant (1).
Genome position (GRCh38, 1-based): chr7:143,330,856, C>T. VCF-style: chr7-143330856-C-T. GRCh37 (hg19) VCF-style: chr7-143027949-C-T.
Other names: short protein forms A313V.
Identifiers: ClinVar variation 1697274 (VCV001697274.3), dbSNP rs2116852322, ClinGen allele CA369641667.